The following is an entry in ClinVar:

NM_001122752.2(SERPINI1):c.844T>G (p.Ser282Ala)

Gene: SERPINI1 (serpin family I member 1; plus strand). Cytogenetic location: 3q26.1.
Variant type: single nucleotide variant.
Coding change: c.844T>G on transcript NM_001122752.2 (MANE Select); coding-DNA position 844, T replaced by G.
Protein change: p.Ser282Ala; replaces serine 282 with alanine.
Molecular consequence: missense variant.
Genome position (GRCh38, 1-based): chr3:167,794,787, T>G. VCF-style: chr3-167794787-T-G. GRCh37 (hg19) VCF-style: chr3-167512575-T-G.
Other names: c.844T>G, p.Ser282Ala (NM_005025.5); short protein forms S282A.
Identifiers: ClinVar variation 2073907 (VCV002073907.5), dbSNP rs746300949, ClinGen allele CA2694890.

ClinVar aggregate classification (germline): Uncertain significance. Review status: criteria provided, multiple submitters, no conflicts (2 of 4 stars). 2 submissions from 2 submitters: Uncertain significance (2). Last evaluated 2024-01-10.

Conditions:
Inborn genetic diseases. Identifiers: MedGen C0950123, MeSH D030342.
Familial encephalopathy with neuroserpin inclusion bodies. Also called: ENCEPHALOPATHY, FAMILIAL, WITH COLLINS BODIES. Identifiers: Orphanet 85110, MedGen C1858680, MONDO:0011412, OMIM 604218.

Allele frequency attached by ClinVar (database versions not stated): gnomAD exomes below 0.00001; ExAC 0.00001.
gnomAD v4.1: 1 of 1,613,556 alleles (0.000062%); highest among the groups gnomAD compares: Admixed American, 0.0017%; no homozygotes.

Submissions (2):

Labcorp Genetics (formerly Invitae), Labcorp
Classification: Uncertain significance for Familial encephalopathy with neuroserpin inclusion bodies. Last evaluated: 2024-01-10. Review status: criteria provided, single submitter. Criteria: Invitae Variant Classification Sherloc (09022015). Collection method: clinical testing. Allele origin: germline.
Comment: This sequence change replaces serine, which is neutral and polar, with alanine, which is neutral and non-polar, at codon 282 of the SERPINI1 protein (p.Ser282Ala). This variant is present in population databases (rs746300949, gnomAD 0.006%). This variant has not been reported in the literature in individuals affected with SERPINI1-related conditions. ClinVar contains an entry for this variant (Variation ID: 2073907). Advanced modeling of protein sequence and biophysical properties (such as structural, functional, and spatial information, amino acid conservation, physicochemical variation, residue mobility, and thermodynamic stability) performed at Invitae indicates that this missense variant is not expected to disrupt SERPINI1 protein function with a negative predictive value of 80%. In summary, the available evidence is currently insufficient to determine the role of this variant in disease. Therefore, it has been classified as a Variant of Uncertain Significance.

Ambry Genetics
Classification: Uncertain significance for Inborn genetic diseases. Last evaluated: 2021-06-21. Review status: criteria provided, single submitter. Criteria: Ambry Variant Classification Scheme 2023. Collection method: clinical testing. Allele origin: germline.